The following is an entry in ClinVar:

ClinVar aggregate classification (germline): Uncertain significance. Review status: criteria provided, multiple submitters, no conflicts (2 of 4 stars). 3 submissions from 3 submitters: Uncertain significance (3). Last evaluated 2026-04-07.

Conditions:
Early-infantile DEE. Also called: Early infantile epileptic encephalopathy; Ohtahara syndrome; Early infantile epileptic encephalopathy with suppression bursts. Identifiers: Orphanet 1934, MedGen C0393706, MONDO:0800491.

Allele frequency attached by ClinVar (database versions not stated): TOPMed below 0.00001.

Submissions (3):

GeneDx
Classification: Uncertain significance. Last evaluated: 2026-04-07. Review status: criteria provided, single submitter. Criteria: GeneDx Variant Classification Process June 2021. Collection method: clinical testing. Allele origin: germline.
Comment: Not observed at significant frequency in large population cohorts (gnomAD); In silico analysis supports that this missense variant has a deleterious effect on protein structure/function; Has not been previously published as pathogenic or benign to our knowledge; This substitution is predicted to be within the cytoplasmic loop between the first and second homologous domains

Labcorp Genetics (formerly Invitae), Labcorp
Classification: Uncertain significance for Early-infantile DEE. Last evaluated: 2024-11-18. Review status: criteria provided, single submitter. Criteria: Invitae Variant Classification Sherloc (09022015). Collection method: clinical testing. Allele origin: germline.
Comment: This sequence change replaces arginine, which is basic and polar, with glycine, which is neutral and non-polar, at codon 617 of the SCN1A protein (p.Arg617Gly). This variant is not present in population databases (gnomAD no frequency). This variant has not been reported in the literature in individuals affected with SCN1A-related conditions. ClinVar contains an entry for this variant (Variation ID: 1480447). Invitae Evidence Modeling of protein sequence and biophysical properties (such as structural, functional, and spatial information, amino acid conservation, physicochemical variation, residue mobility, and thermodynamic stability) has been performed for this missense variant. However, the output from this modeling did not meet the statistical confidence thresholds required to predict the impact of this variant on SCN1A protein function. In summary, the available evidence is currently insufficient to determine the role of this variant in disease. Therefore, it has been classified as a Variant of Uncertain Significance.

Blueprint Genetics
Classification: Uncertain significance. Last evaluated: 2024-06-19. Review status: criteria provided, single submitter. Criteria: ACMG Guidelines, 2015. Collection method: clinical testing. Allele origin: germline.

NM_001165963.4(SCN1A):c.1849A>G (p.Arg617Gly)

Gene: SCN1A (sodium voltage-gated channel alpha subunit 1; minus strand). Cytogenetic location: 2q24.3.
Variant type: single nucleotide variant.
Coding change: c.1849A>G on transcript NM_001165963.4 (MANE Select); coding-DNA position 1849, A replaced by G.
Protein change: p.Arg617Gly; replaces arginine 617 with glycine.
Molecular consequence: missense variant. On other transcripts: 5 prime UTR variant (1), non-coding transcript variant (1).
Genome position (GRCh38, 1-based): chr2:166,043,863, T>C on the plus strand (A>G on the coding strand, the complement: SCN1A is on the minus strand). VCF-style: chr2-166043863-T-C. GRCh37 (hg19) VCF-style: chr2-166900373-T-C.
Other names: c.1849A>G, p.Arg617Gly (NM_001165964.3, NM_001202435.3, NM_001353948.2 and 7 more transcripts); c.1846A>G, p.Arg616Gly (NM_001353954.2, NM_001353955.2, NM_001353960.2); c.-577A>G (NM_001353961.2); c.1849A>G (NM_001165963.1); short protein forms R617G, R616G.
Identifiers: ClinVar variation 1480447 (VCV001480447.11), dbSNP rs1553544701, ClinGen allele CA349067458.